The following is an entry in ClinVar:

NM_013386.5(SLC25A24):c.46C>T (p.Gln16Ter)

Gene: SLC25A24 (solute carrier family 25 member 24; minus strand). Cytogenetic location: 1p13.3.
Variant type: single nucleotide variant.
Coding change: c.46C>T on transcript NM_013386.5 (MANE Select); coding-DNA position 46, C replaced by T.
Protein change: p.Gln16Ter; replaces glutamine 16 with a stop codon.
Molecular consequence: nonsense.
Genome position (GRCh38, 1-based): chr1:108,200,093, G>A on the plus strand (C>T on the coding strand, the complement: SLC25A24 is on the minus strand). VCF-style: chr1-108200093-G-A. GRCh37 (hg19) VCF-style: chr1-108742715-G-A.
Other names: short protein forms Q16*.
Identifiers: ClinVar variation 2119472 (VCV002119472.4), dbSNP rs926596448, ClinGen allele CA341184758.

ClinVar aggregate classification (germline): Uncertain significance (1 of 4 stars; one submission).

gnomAD v4.1: 2 of 1,576,020 alleles (0.00013%); highest among the groups gnomAD compares: Non-Finnish European, 0.00017%; no homozygotes.

Submission:

Labcorp Genetics (formerly Invitae), Labcorp
Classification: Uncertain significance. Last evaluated: 2022-11-08. Review status: criteria provided, single submitter. Criteria: Invitae Variant Classification Sherloc (09022015). Collection method: clinical testing. Allele origin: germline.
Comment: In summary, the available evidence is currently insufficient to determine the role of this variant in disease. Therefore, it has been classified as a Variant of Uncertain Significance. Experimental studies and prediction algorithms are not available or were not evaluated, and the functional significance of this variant is currently unknown. This variant has not been reported in the literature in individuals affected with SLC25A24-related conditions. This variant is not present in population databases (gnomAD no frequency). This sequence change creates a premature translational stop signal (p.Gln16*) in the SLC25A24 gene. It is expected to result in an absent or disrupted protein product. However, the current clinical and genetic evidence is not sufficient to establish whether loss-of-function variants in SLC25A24 cause disease.